The following is an entry in ClinVar:

NM_015231.3(NUP160):c.1315T>C (p.Cys439Arg)

Gene: NUP160 (nucleoporin 160; minus strand). Cytogenetic location: 11p11.2.
Variant type: single nucleotide variant.
Coding change: c.1315T>C on transcript NM_015231.3 (MANE Select); coding-DNA position 1315, T replaced by C.
Protein change: p.Cys439Arg; replaces cysteine 439 with arginine.
Molecular consequence: missense variant. On other transcripts: non-coding transcript variant (1).
Genome position (GRCh38, 1-based): chr11:47,818,070, A>G on the plus strand (T>C on the coding strand, the complement: NUP160 is on the minus strand). VCF-style: chr11-47818070-A-G. GRCh37 (hg19) VCF-style: chr11-47839622-A-G.
Other names: short protein forms C439R.
Identifiers: ClinVar variation 1382202 (VCV001382202.6), dbSNP rs1234289661, ClinGen allele CA380386501.

ClinVar aggregate classification (germline): Uncertain significance (1 of 4 stars; one submission).

Allele frequency attached by ClinVar (database versions not stated): gnomAD exomes below 0.00001 and 0.00001; gnomAD 0.00001; TOPMed 0.00001.
gnomAD v4.1: 24 of 1,610,042 alleles (0.0015%); highest among the groups gnomAD compares: Middle Eastern, 0.1%; no homozygotes.

Submission:

Labcorp Genetics (formerly Invitae), Labcorp
Classification: Uncertain significance. Last evaluated: 2024-04-05. Review status: criteria provided, single submitter. Criteria: Invitae Variant Classification Sherloc (09022015). Collection method: clinical testing. Allele origin: germline.
Comment: This sequence change replaces cysteine, which is neutral and slightly polar, with arginine, which is basic and polar, at codon 473 of the NUP160 protein (p.Cys473Arg). This variant is present in population databases (no rsID available, gnomAD 0.0009%). This variant has not been reported in the literature in individuals affected with NUP160-related conditions. ClinVar contains an entry for this variant (Variation ID: 1382202). An algorithm developed to predict the effect of missense changes on protein structure and function (PolyPhen-2) suggests that this variant is likely to be tolerated. In summary, the available evidence is currently insufficient to determine the role of this variant in disease. Therefore, it has been classified as a Variant of Uncertain Significance.